The following is an entry in ClinVar:

NM_005612.5(REST):c.1879C>G (p.Gln627Glu)

Gene: REST (RE1 silencing transcription factor; plus strand). Cytogenetic location: 4q12.
Variant type: single nucleotide variant.
Coding change: c.1879C>G on transcript NM_005612.5 (MANE Select); coding-DNA position 1879, C replaced by G.
Protein change: p.Gln627Glu; replaces glutamine 627 with glutamic acid.
Molecular consequence: missense variant.
Genome position (GRCh38, 1-based): chr4:56,930,737, C>G. VCF-style: chr4-56930737-C-G. GRCh37 (hg19) VCF-style: chr4-57796903-C-G.
Other names: c.1879C>G, p.Gln627Glu (NM_001193508.2, NM_001363453.3); short protein forms Q627E.
Identifiers: ClinVar variation 1037372 (VCV001037372.8), dbSNP rs778973582, ClinGen allele CA2932340.

ClinVar aggregate classification (germline): Uncertain significance (1 of 4 stars; one submission).

Allele frequency attached by ClinVar (database versions not stated): gnomAD exomes below 0.00001 and 0.00001; ExAC 0.00002; TOPMed 0.00003.
gnomAD v4.1: 4 of 1,601,276 alleles (0.00025%); highest among the groups gnomAD compares: East Asian, 0.0089%; no homozygotes.

Submission:

Labcorp Genetics (formerly Invitae), Labcorp
Classification: Uncertain significance. Last evaluated: 2025-10-15. Review status: criteria provided, single submitter. Criteria: Invitae Variant Classification Sherloc (09022015). Collection method: clinical testing. Allele origin: germline.
Comment: This sequence change replaces glutamine, which is neutral and polar, with glutamic acid, which is acidic and polar, at codon 627 of the REST protein (p.Gln627Glu). This variant is present in population databases (rs778973582, gnomAD 0.02%). This variant has not been reported in the literature in individuals affected with REST-related conditions. ClinVar contains an entry for this variant (Variation ID: 1037372). An algorithm developed to predict the effect of missense changes on protein structure and function (PolyPhen-2) suggests that this variant is likely to be tolerated. In summary, the available evidence is currently insufficient to determine the role of this variant in disease. Therefore, it has been classified as a Variant of Uncertain Significance.